The following is an entry in ClinVar:

ClinVar aggregate classification (germline): Uncertain significance (1 of 4 stars; one submission).

Submission:

Labcorp Genetics (formerly Invitae), Labcorp
Classification: Uncertain significance. Last evaluated: 2021-06-13. Review status: criteria provided, single submitter. Criteria: Invitae Variant Classification Sherloc (09022015). Collection method: clinical testing. Allele origin: germline.
Comment: This sequence change replaces glycine with valine at codon 695 of the TOP2B protein (p.Gly695Val). The glycine residue is highly conserved and there is a moderate physicochemical difference between glycine and valine. This variant is not present in population databases (ExAC no frequency). This variant has not been reported in the literature in individuals with TOP2B-related conditions. Algorithms developed to predict the effect of missense changes on protein structure and function are either unavailable or do not agree on the potential impact of this missense change (SIFT: "Deleterious"; PolyPhen-2: "Probably Damaging"; Align-GVGD: "Class C0"). In summary, the available evidence is currently insufficient to determine the role of this variant in disease. Therefore, it has been classified as a Variant of Uncertain Significance.

NM_001330700.2(TOP2B):c.2099G>T (p.Gly700Val)

Gene: TOP2B (DNA topoisomerase II beta; minus strand). Cytogenetic location: 3p24.2.
Variant type: single nucleotide variant.
Coding change: c.2099G>T on transcript NM_001330700.2 (MANE Select); coding-DNA position 2099, G replaced by T.
Protein change: p.Gly700Val; replaces glycine 700 with valine.
Molecular consequence: missense variant.
Genome position (GRCh38, 1-based): chr3:25,626,782, C>A on the plus strand (G>T on the coding strand, the complement: TOP2B is on the minus strand). VCF-style: chr3-25626782-C-A. GRCh37 (hg19) VCF-style: chr3-25668273-C-A.
Other names: c.2084G>T, p.Gly695Val (NM_001068.3); short protein forms G695V, G700V.
Identifiers: ClinVar variation 1483292 (VCV001483292.8), dbSNP rs2125373171, ClinGen allele CA351905600.
Genomic context (GRCh38, chr3:25,626,782, plus strand): 5'-TCTAGTCTCTCTCTCCTTCTTTCCCCAGGTCACCACTCTTTAAGACTAACCTCTGGTAAG[C>A]CATGTAGCCTACGCTGTCTCCGGTCTTCCATAAAATTTGTTAACCATTCTTTTCTGTCAT-3'
Protein context (NP_001317629.1, residues 690-710): MEDRRQRRLH[Gly700Val]LPEQFLYGTA